The following is an entry in ClinVar:

ClinVar aggregate classification (germline): Likely benign. Review status: criteria provided, single submitter (1 of 4 stars). 2 submissions from 2 submitters: Likely benign (1). 1 of the submissions does not count toward it. Last evaluated 2026-01-28.

Conditions:
DYNC2H1-related disorder. Also called: DYNC2H1-related condition; DYNC2H1-related disorders. Identifiers: MedGen CN378770.
Jeune thoracic dystrophy. Also called: Short-rib thoracic dysplasia; Jeune syndrome; Infantile thoracic dystrophy; Thoracic pelvic phalangeal dystrophy; Jeune's syndrome; Chondroectodermal dysplasia-like syndrome. Identifiers: Orphanet 474, MedGen C0265275, MONDO:0018770.

Allele frequency attached by ClinVar (database versions not stated): gnomAD 0.00001 and 0.00002; TOPMed 0.00001.
gnomAD v4.1: 4 of 1,415,576 alleles (0.00028%); highest among the groups gnomAD compares: East Asian, 0.0085%; no homozygotes.

Submissions (2):

Labcorp Genetics (formerly Invitae), Labcorp
Classification: Likely benign for Jeune thoracic dystrophy. Last evaluated: 2026-01-28. Review status: criteria provided, single submitter. Criteria: Invitae Variant Classification Sherloc (09022015). Collection method: clinical testing. Allele origin: germline.

PreventionGenetics, part of Exact Sciences
Classification: Likely benign for DYNC2H1-related condition. Last evaluated: 2019-07-01. Review status: no assertion criteria provided. Collection method: clinical testing. Allele origin: germline. Not counted in ClinVar's aggregate classification.
Comment: This variant is classified as likely benign based on ACMG/AMP sequence variant interpretation guidelines (Richards et al. 2015 PMID: 25741868, with internal and published modifications).

NM_001377.3(DYNC2H1):c.8943A>G (p.Val2981=)

Gene: DYNC2H1 (dynein cytoplasmic 2 heavy chain 1; plus strand). Cytogenetic location: 11q22.3.
Variant type: single nucleotide variant.
Coding change: c.8943A>G on transcript NM_001377.3 (MANE Select); coding-DNA position 8943, A replaced by G.
Protein change: p.Val2981=; no amino-acid change (valine 2981 retained).
Molecular consequence: synonymous variant.
Genome position (GRCh38, 1-based): chr11:103,220,025, A>G. VCF-style: chr11-103220025-A-G. GRCh37 (hg19) VCF-style: chr11-103090754-A-G.
Other names: c.8943A>G, p.Val2981= (NM_001080463.2).
Identifiers: ClinVar variation 725863 (VCV000725863.8), dbSNP rs1473860564, ClinGen allele CA476621700.